The following is an entry in ClinVar:

ClinVar aggregate classification (germline): Pathogenic/Likely pathogenic. Review status: criteria provided, multiple submitters, no conflicts (2 of 4 stars). 2 submissions from 2 submitters: Pathogenic (1); Likely pathogenic (1). Last evaluated 2024-01-23.

Conditions:
Polycystic kidney disease 4 (PKD4). Also called: Autosomal Recessive Polycystic Kidney Disease – PKHD1; POLYCYSTIC KIDNEY AND HEPATIC DISEASE 1; POLYCYSTIC KIDNEY DISEASE, INFANTILE, TYPE I; POLYCYSTIC KIDNEY DISEASE 4 WITH OR WITHOUT POLYCYSTIC LIVER DISEASE; PKD3. Identifiers: MedGen C4540575, MONDO:0033004, OMIM 263200.
Autosomal recessive polycystic kidney disease (ARPKD). Also called: AR polycystic kidney disease. Identifiers: Orphanet 731, Orphanet 8378, MedGen C0085548, MeSH D017044, MONDO:0009889.

Allele frequency attached by ClinVar (database versions not stated): gnomAD 0.00001; TOPMed 0.00001; ESP Exome Variant Server 0.00008; gnomAD exomes below 0.00001; ExAC 0.00001.
gnomAD v4.1: 5 of 1,559,242 alleles (0.00032%); highest among the groups gnomAD compares: African/African-American, 0.0027%; no homozygotes.

Submissions (2):

Baylor Genetics
Classification: Pathogenic for Polycystic kidney disease 4. Last evaluated: 2024-01-23. Review status: criteria provided, single submitter. Criteria: ACMG Guidelines, 2015. Collection method: clinical testing. Allele origin: unknown.

Labcorp Genetics (formerly Invitae), Labcorp
Classification: Likely pathogenic for Autosomal recessive polycystic kidney disease. Last evaluated: 2022-11-06. Review status: criteria provided, single submitter. Criteria: Invitae Variant Classification Sherloc (09022015). Collection method: clinical testing. Allele origin: germline.
Comment: This sequence change affects a donor splice site in intron 42 of the PKHD1 gene. It is expected to disrupt RNA splicing. Variants that disrupt the donor or acceptor splice site typically lead to a loss of protein function (PMID: 16199547), and loss-of-function variants in PKHD1 are known to be pathogenic (PMID: 19940839). In summary, the currently available evidence indicates that the variant is pathogenic, but additional data are needed to prove that conclusively. Therefore, this variant has been classified as Likely Pathogenic. Algorithms developed to predict the effect of sequence changes on RNA splicing suggest that this variant may disrupt the consensus splice site. This variant has not been reported in the literature in individuals affected with PKHD1-related conditions. This variant is present in population databases (rs372573190, gnomAD 0.0009%).

Literature cited by the submitters: PubMed 16199547 (cited by Labcorp Genetics (formerly Invitae), Labcorp); PubMed 19940839 (cited by Labcorp Genetics (formerly Invitae), Labcorp).

NM_138694.4(PKHD1):c.6865+1G>A

Gene: PKHD1 (PKHD1 ciliary IPT domain containing fibrocystin/polyductin; minus strand). Cytogenetic location: 6p12.2.
Variant type: single nucleotide variant.
Coding change: c.6865+1G>A on transcript NM_138694.4 (MANE Select); the canonical splice donor site of the intron after coding-DNA position 6865, G replaced by A.
Molecular consequence: splice donor variant.
Genome position (GRCh38, 1-based): chr6:51,903,985, C>T on the plus strand (G>A on the coding strand, the complement: PKHD1 is on the minus strand). VCF-style: chr6-51903985-C-T. GRCh37 (hg19) VCF-style: chr6-51768783-C-T.
Other names: c.6865+1G>A (NM_170724.3).
Identifiers: ClinVar variation 1934949 (VCV001934949.7), dbSNP rs372573190, ClinGen allele CA3852150.
Genomic context (GRCh38, chr6:51,903,985, plus strand): 5'-ATAAAATATATGACAATTTTAAATACACTGTAATAGATTTAAAATCAATTTACATATTTA[C>T]CATCTTTCCTTCCATGAATTGCCTCCCAGGAGATATATCTCATCTCCGTGCATGTCCCTG-3'